The following is an entry in ClinVar:

NM_133259.4(LRPPRC):c.1431T>G (p.Tyr477Ter)

Gene: LRPPRC (leucine rich pentatricopeptide repeat containing; minus strand). Cytogenetic location: 2p21.
Variant type: single nucleotide variant.
Coding change: c.1431T>G on transcript NM_133259.4 (MANE Select); coding-DNA position 1431, T replaced by G.
Protein change: p.Tyr477Ter; replaces tyrosine 477 with a stop codon.
Molecular consequence: nonsense.
Genome position (GRCh38, 1-based): chr2:43,963,645, A>C on the plus strand (T>G on the coding strand, the complement: LRPPRC is on the minus strand). VCF-style: chr2-43963645-A-C. GRCh37 (hg19) VCF-style: chr2-44190784-A-C.
Other names: c.1431T>G (NM_133259.3); short protein forms Y477*.
Identifiers: ClinVar variation 1073935 (VCV001073935.9), dbSNP rs746627889, ClinGen allele CA46477064.

ClinVar aggregate classification (germline): Pathogenic/Likely pathogenic. Review status: criteria provided, multiple submitters, no conflicts (2 of 4 stars). 3 submissions from 3 submitters: Pathogenic (2); Likely pathogenic (1). Last evaluated 2024-12-30.

Conditions:
Congenital lactic acidosis, Saguenay-Lac-Saint-Jean type (MC4DN5). Also called: CYTOCHROME c OXIDASE DEFICIENCY, FRENCH CANADIAN TYPE; COX DEFICIENCY, FRENCH CANADIAN TYPE; MITOCHONDRIAL COMPLEX IV DEFICIENCY, NUCLEAR TYPE 5. Identifiers: Orphanet 70472, MedGen C1857355, MONDO:0009069, OMIM 220111.

Submissions (3):

Natera, Inc.
Classification: Likely pathogenic for French-Canadian type Leigh syndrome. Last evaluated: 2024-12-30. Review status: criteria provided, single submitter. Criteria: Natera Variant Classification Schema (03/2026). Collection method: clinical testing. Allele origin: germline.
Comment: The c.1431T>G variant in LRPPRC is a nonsense variant predicted to introduce a stop codon at amino acid 477. This variant is expected to result in nonsense mediated decay, truncation, or a dysfunctional protein product. This variant is rare in the general population with a frequency below the threshold expected for the associated phenotype(s). Given the available evidence, this variant is classified as Likely Pathogenic.

Baylor Genetics
Classification: Pathogenic for Congenital lactic acidosis, Saguenay-Lac-Saint-Jean type. Last evaluated: 2023-04-07. Review status: criteria provided, single submitter. Criteria: ACMG Guidelines, 2015. Collection method: clinical testing. Allele origin: unknown.

Labcorp Genetics (formerly Invitae), Labcorp
Classification: Pathogenic. Last evaluated: 2023-02-14. Review status: criteria provided, single submitter. Criteria: Invitae Variant Classification Sherloc (09022015). Collection method: clinical testing. Allele origin: germline.
Comment: This sequence change creates a premature translational stop signal (p.Tyr477*) in the LRPPRC gene. It is expected to result in an absent or disrupted protein product. Loss-of-function variants in LRPPRC are known to be pathogenic (PMID: 26510951). This variant is not present in population databases (gnomAD no frequency). This variant has not been reported in the literature in individuals affected with LRPPRC-related conditions. ClinVar contains an entry for this variant (Variation ID: 1073935). For these reasons, this variant has been classified as Pathogenic.

Literature cited by the submitters: PubMed 26510951 (cited by Labcorp Genetics (formerly Invitae), Labcorp).